The following is an entry in ClinVar:

ClinVar aggregate classification (germline): Conflicting classifications of pathogenicity. Review status: criteria provided, conflicting classifications (1 of 4 stars). 2 submissions from 2 submitters: Uncertain significance (1); Likely benign (1). Last evaluated 2025-12-04.

Conditions:
Baller-Gerold syndrome (BGS). Also called: CRANIOSYNOSTOSIS WITH RADIAL DEFECTS. Identifiers: Orphanet 1225, MedGen C0265308, MONDO:0009039, OMIM 218600.
Inborn genetic diseases. Identifiers: MedGen C0950123, MeSH D030342.

Allele frequency attached by ClinVar (database versions not stated): gnomAD exomes below 0.00001.
gnomAD v4.1: 1 of 1,579,390 alleles (0.000063%); highest among the groups gnomAD compares: Non-Finnish European, 0.000086%; no homozygotes.

Submissions (2):

Ambry Genetics
Classification: Likely benign for Inborn genetic diseases. Last evaluated: 2025-12-04. Review status: criteria provided, single submitter. Criteria: Ambry Variant Classification Scheme 2023. Collection method: clinical testing. Allele origin: germline.

Labcorp Genetics (formerly Invitae), Labcorp
Classification: Uncertain significance for Baller-Gerold syndrome. Last evaluated: 2023-01-18. Review status: criteria provided, single submitter. Criteria: Invitae Variant Classification Sherloc (09022015). Collection method: clinical testing. Allele origin: germline.
Comment: In summary, the available evidence is currently insufficient to determine the role of this variant in disease. Therefore, it has been classified as a Variant of Uncertain Significance. Algorithms developed to predict the effect of missense changes on protein structure and function output the following: SIFT: "Not Available"; PolyPhen-2: "Not Available"; Align-GVGD: "Not Available". The valine amino acid residue is found in multiple mammalian species, which suggests that this missense change does not adversely affect protein function. This variant has not been reported in the literature in individuals affected with RECQL4-related conditions. This variant is not present in population databases (gnomAD no frequency). This sequence change replaces alanine, which is neutral and non-polar, with valine, which is neutral and non-polar, at codon 67 of the RECQL4 protein (p.Ala67Val).

NM_004260.4(RECQL4):c.200C>T (p.Ala67Val)

Gene: RECQL4 (RecQ like helicase 4; minus strand). Cytogenetic location: 8q24.3.
Variant type: single nucleotide variant.
Coding change: c.200C>T on transcript NM_004260.4 (MANE Select); coding-DNA position 200, C replaced by T.
Protein change: p.Ala67Val; replaces alanine 67 with valine.
Molecular consequence: missense variant. On other transcripts: 5 prime UTR variant (16), non-coding transcript variant (3), intron variant (2).
Genome position (GRCh38, 1-based): chr8:144,517,427, G>A on the plus strand (C>T on the coding strand, the complement: RECQL4 is on the minus strand). VCF-style: chr8-144517427-G-A. GRCh37 (hg19) VCF-style: chr8-145742811-G-A.
Other names: c.200C>T, p.Ala67Val (NM_001413029.1, NM_001413033.1, NM_001413036.1 and 5 more transcripts); c.-934C>T (NM_001413030.1, NM_001413031.1, NM_001413041.1 and 1 more transcripts); c.-831C>T (NM_001413032.1); c.-776C>T (NM_001413034.1); c.-769C>T (NM_001413035.1, NM_001413024.1); c.-872C>T (NM_001413037.1, NM_001413038.1, NM_001413042.1 and 2 more transcripts); c.-1141C>T (NM_001413043.1); c.85-237C>T (NM_001413025.1); and 4 more; short protein forms A67V.
Identifiers: ClinVar variation 3017348 (VCV003017348.4), dbSNP rs2130740351, ClinGen allele CA372692511.